The following is an entry in ClinVar:

ClinVar aggregate classification (germline): Uncertain significance (1 of 4 stars; one submission).

Conditions:
Developmental and epileptic encephalopathy, 25 (DEE25). Also called: Developmental and epileptic encephalopathy 25, with amelogenesis imperfecta; Epileptic encephalopathy, early infantile, 25, with amelogenesis imperfecta; Epileptic encephalopathy, early infantile, 25. Identifiers: Orphanet 442835, MedGen C4014621, MONDO:0014392, OMIM 615905.

Submission:

Labcorp Genetics (formerly Invitae), Labcorp
Classification: Uncertain significance for Developmental and epileptic encephalopathy, 25. Last evaluated: 2020-02-17. Review status: criteria provided, single submitter. Criteria: Invitae Variant Classification Sherloc (09022015). Collection method: clinical testing. Allele origin: germline.
Comment: In summary, the available evidence is currently insufficient to determine the role of this variant in disease. Therefore, it has been classified as a Variant of Uncertain Significance. Algorithms developed to predict the effect of missense changes on protein structure and function are either unavailable or do not agree on the potential impact of this missense change (SIFT: "Tolerated"; PolyPhen-2: "Possibly Damaging"; Align-GVGD: "Class C0"). This variant has not been reported in the literature in individuals with SLC13A5-related conditions. This variant is not present in population databases (ExAC no frequency). This sequence change replaces alanine with serine at codon 57 of the SLC13A5 protein (p.Ala57Ser). The alanine residue is highly conserved and there is a moderate physicochemical difference between alanine and serine.

NM_177550.5(SLC13A5):c.169G>T (p.Ala57Ser)

Gene: SLC13A5 (solute carrier family 13 member 5; minus strand). Cytogenetic location: 17p13.1.
Variant type: single nucleotide variant.
Coding change: c.169G>T on transcript NM_177550.5 (MANE Select); coding-DNA position 169, G replaced by T.
Protein change: p.Ala57Ser; replaces alanine 57 with serine.
Molecular consequence: missense variant. On other transcripts: intron variant (1).
Genome position (GRCh38, 1-based): chr17:6,707,090, C>A on the plus strand (G>T on the coding strand, the complement: SLC13A5 is on the minus strand). VCF-style: chr17-6707090-C-A. GRCh37 (hg19) VCF-style: chr17-6610409-C-A.
Other names: c.169G>T, p.Ala57Ser (NM_001143838.3, NM_001284509.2); c.103-312G>T (NM_001284510.2); short protein forms A57S.
Identifiers: ClinVar variation 959471 (VCV000959471.10), dbSNP rs1223073326, ClinGen allele CA397751687.